The following is an entry in ClinVar:

NM_001165963.4(SCN1A):c.5023C>T (p.Leu1675Phe)

Genes: SCN1A (sodium voltage-gated channel alpha subunit 1; minus strand), LOC102724058 (uncharacterized LOC102724058; plus strand). Cytogenetic location: 2q24.3.
Variant type: single nucleotide variant.
Coding change: c.5023C>T on transcript NM_001165963.4 (MANE Select); coding-DNA position 5023, C replaced by T.
Protein change: p.Leu1675Phe; replaces leucine 1675 with phenylalanine.
Molecular consequence: missense variant. On other transcripts: non-coding transcript variant (1).
Genome position (GRCh38, 1-based): chr2:165,992,252, G>A on the plus strand (C>T on the coding strand, the complement: SCN1A is on the minus strand). VCF-style: chr2-165992252-G-A. GRCh37 (hg19) VCF-style: chr2-166848762-G-A.
Other names: c.4990C>T, p.Leu1664Phe (NM_001353952.2, NM_006920.6, NM_001353949.2 and 2 more transcripts); c.4987C>T, p.Leu1663Phe (NM_001353954.2, NM_001353955.2); c.4939C>T, p.Leu1647Phe (NM_001353957.2, NM_001353958.2, NM_001165964.3); c.4936C>T, p.Leu1646Phe (NM_001353960.2); c.2581C>T, p.Leu861Phe (NM_001353961.2); c.5023C>T, p.Leu1675Phe (NM_001202435.3, NM_001353948.2); short protein forms L1646F, L1664F, L861F, L1647F, L1663F, L1675F.
Identifiers: ClinVar variation 2707845 (VCV002707845.3), dbSNP rs2468338828, ClinGen allele CA349069648.

ClinVar aggregate classification (germline): Likely pathogenic (1 of 4 stars; one submission).

Conditions:
Early-infantile DEE. Also called: Early infantile epileptic encephalopathy with suppression bursts; Early infantile epileptic encephalopathy; Ohtahara syndrome. Identifiers: Orphanet 1934, MedGen C0393706, MONDO:0800491.

Submission:

Labcorp Genetics (formerly Invitae), Labcorp
Classification: Likely pathogenic for Early-infantile DEE. Last evaluated: 2024-01-12. Review status: criteria provided, single submitter. Criteria: Invitae Variant Classification Sherloc (09022015). Collection method: clinical testing. Allele origin: germline.
Comment: This sequence change replaces leucine, which is neutral and non-polar, with phenylalanine, which is neutral and non-polar, at codon 1675 of the SCN1A protein (p.Leu1675Phe). This variant is not present in population databases (gnomAD no frequency). This missense change has been observed in individual(s) with clinical features of SCN1A-related conditions (Inviate). Advanced modeling of protein sequence and biophysical properties (such as structural, functional, and spatial information, amino acid conservation, physicochemical variation, residue mobility, and thermodynamic stability) performed at Invitae indicates that this missense variant is expected to disrupt SCN1A protein function with a positive predictive value of 95%. This variant disrupts the p.Leu1675 amino acid residue in SCN1A. Other variant(s) that disrupt this residue have been determined to be pathogenic (PMID: 18930999, 29142202). This suggests that this residue is clinically significant, and that variants that disrupt this residue are likely to be disease-causing. In summary, the currently available evidence indicates that the variant is pathogenic, but additional data are needed to prove that conclusively. Therefore, this variant has been classified as Likely Pathogenic.

Literature cited by the submitters: PubMed 18930999; PubMed 29142202.